The following is an entry in ClinVar:

ClinVar aggregate classification (germline): Uncertain significance (1 of 4 stars; one submission).

gnomAD v4.1: 3 of 1,612,526 alleles (0.00019%); highest among the groups gnomAD compares: East Asian, 0.0067%; no homozygotes.

Submission:

Labcorp Genetics (formerly Invitae), Labcorp
Classification: Uncertain significance. Last evaluated: 2025-06-09. Review status: criteria provided, single submitter. Criteria: Invitae Variant Classification Sherloc (09022015). Collection method: clinical testing. Allele origin: germline.
Comment: This sequence change replaces valine, which is neutral and non-polar, with alanine, which is neutral and non-polar, at codon 546 of the WFS1 protein (p.Val546Ala). This variant is present in population databases (no rsID available, gnomAD 0.02%). This variant has not been reported in the literature in individuals affected with WFS1-related conditions. ClinVar contains an entry for this variant (Variation ID: 3637007). Invitae Evidence Modeling of protein sequence and biophysical properties (such as structural, functional, and spatial information, amino acid conservation, physicochemical variation, residue mobility, and thermodynamic stability) indicates that this missense variant is not expected to disrupt WFS1 protein function with a negative predictive value of 95%. This variant disrupts the p.Val546 amino acid residue in WFS1. Other variant(s) that disrupt this residue have been determined to be pathogenic (PMID: 12754709). This suggests that this residue is clinically significant, and that variants that disrupt this residue are likely to be disease-causing. In summary, the available evidence is currently insufficient to determine the role of this variant in disease. Therefore, it has been classified as a Variant of Uncertain Significance.

Literature cited by the submitters: PubMed 12754709.

NM_006005.3(WFS1):c.1637T>C (p.Val546Ala)

Gene: WFS1 (wolframin ER transmembrane glycoprotein; plus strand). Cytogenetic location: 4p16.1.
Variant type: single nucleotide variant.
Coding change: c.1637T>C on transcript NM_006005.3 (MANE Select); coding-DNA position 1637, T replaced by C.
Protein change: p.Val546Ala; replaces valine 546 with alanine.
Molecular consequence: missense variant.
Genome position (GRCh38, 1-based): chr4:6,301,432, T>C. VCF-style: chr4-6301432-T-C. GRCh37 (hg19) VCF-style: chr4-6303159-T-C.
Other names: c.1637T>C, p.Val546Ala (NM_001145853.1); short protein forms V546A.
Identifiers: ClinVar variation 3637007 (VCV003637007.2).